The following is an entry in ClinVar:

NM_000540.3(RYR1):c.1837G>A (p.Val613Ile)

Gene: RYR1 (ryanodine receptor 1; plus strand). Cytogenetic location: 19q13.2.
Variant type: single nucleotide variant.
Coding change: c.1837G>A on transcript NM_000540.3 (MANE Select); coding-DNA position 1837, G replaced by A.
Protein change: p.Val613Ile; replaces valine 613 with isoleucine.
Molecular consequence: missense variant.
Genome position (GRCh38, 1-based): chr19:38,457,542, G>A. VCF-style: chr19-38457542-G-A. GRCh37 (hg19) VCF-style: chr19-38948182-G-A.
Other names: c.1837G>A, p.Val613Ile (NM_001042723.2); short protein forms V613I.
Identifiers: ClinVar variation 3387659 (VCV003387659.1).

ClinVar aggregate classification (germline): Uncertain significance (1 of 4 stars; one submission).

Conditions:
Malignant hyperthermia, susceptibility to, 1 (MHS1). Also called: Anesthesia related hyperthermia; Malignant hyperpyrexia; Fulminating hyperpyrexia; Pharmacogenic myopathy; RYR1-Related Malignant Hyperthermia Susceptibility; Malignant hyperthermia suceptibility 1. Identifiers: Orphanet 423, MedGen C2930980, MONDO:0007783, OMIM 145600.

gnomAD v4.1: 1 of 1,614,104 alleles (0.000062%); highest among the groups gnomAD compares: Non-Finnish European, 0.000085%; no homozygotes.

Submission:

All of Us Research Program, National Institutes of Health
Classification: Uncertain significance for Malignant hyperthermia, susceptibility to, 1. Last evaluated: 2024-03-05. Review status: criteria provided, single submitter. Criteria: ACMG Guidelines, 2015. Collection method: clinical testing. Allele origin: germline. Inheritance: Autosomal dominant inheritance. Observed: 1 variant allele, 1 heterozygote.
Comment: This study involves interpretation of variants in research participants for the purpose of population health screening. Participant phenotype was not available at the time of variant classification. Additional details can be found in publication PMID: 35346344, PMCID: PMC8962531